The following is an entry in ClinVar:

ClinVar aggregate classification (germline): Benign. Review status: criteria provided, multiple submitters, no conflicts (2 of 4 stars). 2 submissions from 2 submitters: Benign (2). Last evaluated 2018-01-13.

Conditions:
Congenital defect of folate absorption. Also called: Hereditary Folate Malabsorption. Identifiers: Orphanet 90045, MedGen C0342705, MONDO:0009238, OMIM 229050.

Allele frequency attached by ClinVar (database versions not stated): 1000 Genomes Project 0.00559; 1000 Genomes Project 30x 0.00687; TOPMed 0.01759; gnomAD exomes 0.01804 and 0.02675; ExAC 0.01815; gnomAD 0.01919 and 0.02019; ESP Exome Variant Server 0.02122.
gnomAD v4.1: 41,623 of 1,611,482 alleles (2.6%); highest among the groups gnomAD compares: Non-Finnish European, 3.1%; 654 homozygotes.

Submissions (2):

Illumina Laboratory Services, Illumina
Classification: Benign for Congenital defect of folate absorption. Last evaluated: 2018-01-13. Review status: criteria provided, single submitter. Criteria: ICSL Variant Classification Criteria 13 December 2019. Collection method: clinical testing. Allele origin: germline.
Comment: This variant was observed in the ICSL laboratory as part of a predisposition screen in an ostensibly healthy population. It had not been previously curated by ICSL or reported in the Human Gene Mutation Database (HGMD: prior to June 1st, 2018), and was therefore a candidate for classification through an automated scoring system. Utilizing variant allele frequency, disease prevalence and penetrance estimates, and inheritance mode, an automated score was calculated to assess if this variant is too frequent to cause the disease. Based on the score and internal cut-off values, a variant classified as benign is not then subjected to further curation. The score for this variant resulted in a classification of benign for this disease.

Breakthrough Genomics
Classification: Benign. Review status: criteria provided, single submitter. Criteria: ACMG Guidelines, 2015. Collection method: not provided. Allele origin: germline. Inheritance: Autosomal recessive inheritance. Affected: yes.

NM_080669.6(SLC46A1):c.*3785T>C

Genes: SARM1 (sterile alpha and TIR motif containing 1; plus strand), SLC46A1 (solute carrier family 46 member 1; minus strand). Cytogenetic location: 17q11.2.
Variant type: single nucleotide variant.
Coding change: c.*3785T>C on transcript NM_080669.6 (MANE Select); 3785 bases downstream of the stop codon, T replaced by C.
Molecular consequence: 3 prime UTR variant. On other transcripts: intron variant (1).
Genome position (GRCh38, 1-based): chr17:28,395,871, A>G on the plus strand (T>C on the coding strand, the complement: SLC46A1 is on the minus strand). VCF-style: chr17-28395871-A-G. GRCh37 (hg19) VCF-style: chr17-26722890-A-G.
Other names: c.*3785T>C (NM_001242366.3); c.1924-34A>G (NM_015077.4).
Identifiers: ClinVar variation 322351 (VCV000322351.6), dbSNP rs117451747, ClinGen allele CA8458013.
Genomic context (GRCh38, chr17:28,395,871, plus strand): 5'-AGCCTCGGGCCAGTGGGCCTCCCAGCACCTGCCTGGCTACAAGGGTCCCTAGATGGGTAC[A>G]GGGGTATCTTCCTCCTTTCCTTTCTTTCTCCAGGAGATTGTGACTGCTTTAAGCTGCGGC-3'